The following is an entry in ClinVar:

NM_001904.4(CTNNB1):c.167A>C (p.Asp56Ala)

Genes: CTNNB1 (catenin beta 1; plus strand), LOC126806658 (BRD4-independent group 4 enhancer GRCh37_chr3:41265899-41267098; plus strand). Cytogenetic location: 3p22.1.
Variant type: single nucleotide variant.
Coding change: c.167A>C on transcript NM_001904.4 (MANE Select); coding-DNA position 167, A replaced by C.
Protein change: p.Asp56Ala; replaces aspartic acid 56 with alanine.
Molecular consequence: missense variant.
Genome position (GRCh38, 1-based): chr3:41,224,679, A>C. VCF-style: chr3-41224679-A-C. GRCh37 (hg19) VCF-style: chr3-41266170-A-C.
Other names: c.167A>C, p.Asp56Ala (NM_001098209.2, NM_001098210.2); c.146A>C, p.Asp49Ala (NM_001330729.2); short protein forms D56A, D49A.
Identifiers: ClinVar variation 3687533 (VCV003687533.2).

ClinVar aggregate classification (germline): Uncertain significance (1 of 4 stars; one submission).

Submission:

Labcorp Genetics (formerly Invitae), Labcorp
Classification: Uncertain significance. Last evaluated: 2024-03-19. Review status: criteria provided, single submitter. Criteria: Invitae Variant Classification Sherloc (09022015). Collection method: clinical testing. Allele origin: germline.
Comment: This sequence change replaces aspartic acid, which is acidic and polar, with alanine, which is neutral and non-polar, at codon 56 of the CTNNB1 protein (p.Asp56Ala). This variant is present in population databases (no rsID available, gnomAD 0.0009%). This variant has not been reported in the literature in individuals affected with CTNNB1-related conditions. Advanced modeling of protein sequence and biophysical properties (such as structural, functional, and spatial information, amino acid conservation, physicochemical variation, residue mobility, and thermodynamic stability) performed at Invitae indicates that this missense variant is not expected to disrupt CTNNB1 protein function with a negative predictive value of 80%. In summary, the available evidence is currently insufficient to determine the role of this variant in disease. Therefore, it has been classified as a Variant of Uncertain Significance.